The following is an entry in ClinVar:

ClinVar aggregate classification (germline): Uncertain significance (1 of 4 stars; one submission).

Submission:

Ambry Genetics
Classification: Uncertain significance. Last evaluated: 2024-11-22. Review status: criteria provided, single submitter. Criteria: Ambry Variant Classification Scheme 2023. Collection method: clinical testing. Allele origin: germline.
Comment: The p.M1134V variant (also known as c.3400A>G), located in coding exon 13 of the CDK12 gene, results from an A to G substitution at nucleotide position 3400. The methionine at codon 1134 is replaced by valine, an amino acid with highly similar properties. This amino acid position is conserved. In addition, this alteration is predicted to be tolerated by in silico analysis. Based on the available evidence, the clinical significance of this variant remains unclear.

NM_016507.4(CDK12):c.3400A>G (p.Met1134Val)

Gene: CDK12 (cyclin dependent kinase 12; plus strand). Cytogenetic location: 17q12.
Variant type: single nucleotide variant.
Coding change: c.3400A>G on transcript NM_016507.4 (MANE Select); coding-DNA position 3400, A replaced by G.
Protein change: p.Met1134Val; replaces methionine 1134 with valine.
Molecular consequence: missense variant.
Genome position (GRCh38, 1-based): chr17:39,525,956, A>G. VCF-style: chr17-39525956-A-G. GRCh37 (hg19) VCF-style: chr17-37682209-A-G.
Other names: c.3400A>G, p.Met1134Val (NM_015083.4); short protein forms M1134V.
Identifiers: ClinVar variation 3489236 (VCV003489236.1).